The following is an entry in ClinVar:

ClinVar aggregate classification (germline): Uncertain significance (1 of 4 stars; one submission).

Conditions:
Hereditary cancer-predisposing syndrome. Also called: Neoplastic Syndromes, Hereditary; Tumor predisposition; Hereditary neoplastic syndrome; Hereditary Cancer Syndrome. Identifiers: Orphanet 140162, MedGen C0027672, MeSH D009386, MONDO:0015356.
Cardiovascular phenotype. Identifiers: MedGen CN230736.

Submission:

Ambry Genetics
Classification: Uncertain significance for Cardiovascular phenotype; Hereditary cancer-predisposing syndrome. Last evaluated: 2025-08-12. Review status: criteria provided, single submitter. Criteria: Ambry Variant Classification Scheme 2023. Collection method: clinical testing. Allele origin: germline.
Comment: The p.I669V variant (also known as c.2005A>G), located in coding exon 17 of the LZTR1 gene, results from an A to G substitution at nucleotide position 2005. The isoleucine at codon 669 is replaced by valine, an amino acid with highly similar properties. This amino acid position is conserved. In addition, this alteration is predicted to be tolerated by in silico analysis. Based on the available evidence, the clinical significance of this variant remains unclear.

NM_006767.4(LZTR1):c.2005A>G (p.Ile669Val)

Gene: LZTR1 (leucine zipper like post translational regulator 1; plus strand). Cytogenetic location: 22q11.21.
Variant type: single nucleotide variant.
Coding change: c.2005A>G on transcript NM_006767.4 (MANE Select); coding-DNA position 2005, A replaced by G.
Protein change: p.Ile669Val; replaces isoleucine 669 with valine.
Molecular consequence: missense variant.
Genome position (GRCh38, 1-based): chr22:20,995,808, A>G. VCF-style: chr22-20995808-A-G. GRCh37 (hg19) VCF-style: chr22-21350097-A-G.
Other names: short protein forms I669V.
Identifiers: ClinVar variation 3238187 (VCV003238187.2), dbSNP rs2518623926.